The following is an entry in ClinVar:

ClinVar aggregate classification (germline): Uncertain significance (1 of 4 stars; one submission).

Conditions:
Joubert syndrome 23 (JBTS23). Identifiers: Orphanet 475, MedGen C4084822, MONDO:0014664, OMIM 616490.
Short-rib thoracic dysplasia 14 with polydactyly (SRTD14). Identifiers: Orphanet 397715, MedGen C4225286, MONDO:0014688, OMIM 616546.

Submission:

Labcorp Genetics (formerly Invitae), Labcorp
Classification: Uncertain significance for Joubert syndrome 23; Short-rib thoracic dysplasia 14 with polydactyly. Last evaluated: 2023-08-17. Review status: criteria provided, single submitter. Criteria: Invitae Variant Classification Sherloc (09022015). Collection method: clinical testing. Allele origin: germline.
Comment: This variant has not been reported in the literature in individuals affected with KIAA0586-related conditions. Information on the frequency of this variant in the gnomAD database is not available, as this variant may be reported differently in the database. This sequence change replaces proline, which is neutral and non-polar, with valine, which is neutral and non-polar, at codon 1343 of the KIAA0586 protein (p.Pro1343Val). ClinVar contains an entry for this variant (Variation ID: 2150863). In summary, the available evidence is currently insufficient to determine the role of this variant in disease. Therefore, it has been classified as a Variant of Uncertain Significance. An algorithm developed to predict the effect of missense changes on protein structure and function (PolyPhen-2) suggests that this variant is likely to be disruptive.

NM_001329943.3(KIAA0586):c.3868_3869delinsGT (p.Pro1290Val)

Gene: KIAA0586 (KIAA0586; plus strand). Cytogenetic location: 14q23.1.
Variant type: Indel.
Coding change: c.3868_3869delinsGT on transcript NM_001329943.3 (MANE Select); coding-DNA positions 3868 to 3869, CC replaced by GT.
Protein change: p.Pro1290Val; replaces proline 1290 with valine.
Molecular consequence: missense variant. On other transcripts: intron variant (1).
Genome position (GRCh38, 1-based): chr14:58,492,153-58,492,154, CC replaced by GT. VCF-style: chr14-58492153-CC-GT. GRCh37 (hg19) VCF-style: chr14-58958871-CC-GT.
Other names: c.4027_4028delinsGT, p.Pro1343Val (NM_001244189.2); c.3823_3824delinsGT, p.Pro1275Val (NM_001244190.2); c.3613_3614delinsGT, p.Pro1205Val (NM_001244191.2, NM_001329945.2, NM_001364700.1 and 1 more transcripts); c.3736_3737delinsGT, p.Pro1246Val (NM_001244192.2); c.3448_3449delinsGT, p.Pro1150Val (NM_001244193.2); c.3868_3869delinsGT, p.Pro1290Val (NM_001329944.2, NM_001329946.2); c.3640_3641delinsGT, p.Pro1214Val (NM_014749.5); c.3858+1913_3858+1914delinsGT (NM_001329947.2); short protein forms P1150V, P1275V, P1290V, P1205V, P1214V, P1246V, P1343V.
Identifiers: ClinVar variation 2150863 (VCV002150863.4), dbSNP rs2543763219, ClinGen allele CA2580088289.